The following is an entry in ClinVar:

ClinVar aggregate classification (germline): Uncertain significance. Review status: criteria provided, multiple submitters, no conflicts (2 of 4 stars). 2 submissions from 2 submitters: Uncertain significance (2). Last evaluated 2025-09-04.

Conditions:
Inborn genetic diseases. Identifiers: MedGen C0950123, MeSH D030342.
Cone-rod dystrophy 13 (CORD13). Identifiers: Orphanet 1872, MedGen C2750720, MONDO:0011987, OMIM 608194.
Leber congenital amaurosis 6 (LCA6). Identifiers: Orphanet 65, MedGen C1854260, MONDO:0013446, OMIM 613826.

Allele frequency attached by ClinVar (database versions not stated): TOPMed below 0.00001; gnomAD exomes 0.00002; ExAC 0.00008.

Submissions (2):

Ambry Genetics
Classification: Uncertain significance for Inborn genetic diseases. Last evaluated: 2025-09-04. Review status: criteria provided, single submitter. Criteria: Ambry Variant Classification Scheme 2023. Collection method: clinical testing. Allele origin: germline.

Labcorp Genetics (formerly Invitae), Labcorp
Classification: Uncertain significance for Leber congenital amaurosis 6; Cone-rod dystrophy 13. Last evaluated: 2025-04-23. Review status: criteria provided, single submitter. Criteria: Invitae Variant Classification Sherloc (09022015). Collection method: clinical testing. Allele origin: germline.
Comment: This sequence change replaces glutamine, which is neutral and polar, with arginine, which is basic and polar, at codon 409 of the RPGRIP1 protein (p.Gln409Arg). This variant is present in population databases (rs761225961, gnomAD 0.03%). This variant has not been reported in the literature in individuals affected with RPGRIP1-related conditions. ClinVar contains an entry for this variant (Variation ID: 2065893). Invitae Evidence Modeling of protein sequence and biophysical properties (such as structural, functional, and spatial information, amino acid conservation, physicochemical variation, residue mobility, and thermodynamic stability) indicates that this missense variant is not expected to disrupt RPGRIP1 protein function with a negative predictive value of 80%. In summary, the available evidence is currently insufficient to determine the role of this variant in disease. Therefore, it has been classified as a Variant of Uncertain Significance.

NM_020366.4(RPGRIP1):c.1226A>G (p.Gln409Arg)

Gene: RPGRIP1 (RPGR interacting protein 1; plus strand). Cytogenetic location: 14q11.2.
Variant type: single nucleotide variant.
Coding change: c.1226A>G on transcript NM_020366.4 (MANE Select); coding-DNA position 1226, A replaced by G.
Protein change: p.Gln409Arg; replaces glutamine 409 with arginine.
Molecular consequence: missense variant.
Genome position (GRCh38, 1-based): chr14:21,317,770, A>G. VCF-style: chr14-21317770-A-G. GRCh37 (hg19) VCF-style: chr14-21785929-A-G.
Other names: c.152A>G, p.Gln51Arg (NM_001377523.1, NM_001377948.1, NM_001377949.1 and 1 more transcripts); c.1226A>G (NM_020366.3); short protein forms Q409R, Q51R.
Identifiers: ClinVar variation 2065893 (VCV002065893.5), dbSNP rs761225961, ClinGen allele CA7088910.